The following is an entry in ClinVar:

ClinVar aggregate classification (germline): Benign/Likely benign. Review status: criteria provided, multiple submitters, no conflicts (2 of 4 stars). 5 submissions from 5 submitters: Benign (2); Likely benign (2). 1 of the submissions does not count toward it. Last evaluated 2025-07-01.

Conditions:
PI4KA-related disorder. Also called: PI4KA-related condition; PI4KA-related disorders. Identifiers: MedGen CN378147, MONDO:1040012.

Allele frequency attached by ClinVar (database versions not stated): TOPMed 0.00338; 1000 Genomes Project 30x 0.00406; 1000 Genomes Project 0.00419.
gnomAD v4.1: 969 of 1,614,116 alleles (0.06%); highest among the groups gnomAD compares: African/African-American, 1.1%; 1 homozygote.

Submissions (5):

CeGaT Center for Human Genetics Tuebingen
Classification: Likely benign. Last evaluated: 2025-07-01. Review status: criteria provided, single submitter. Criteria: CeGaT Center For Human Genetics Tuebingen Variant Classification Criteria Version 2. Collection method: clinical testing. Allele origin: germline. Affected: yes. Observed: 1 variant allele.
Comment: PI4KA: BP4, BS1

Blueprint Genetics
Classification: Likely benign. Last evaluated: 2024-11-13. Review status: criteria provided, single submitter. Criteria: ACMG Guidelines, 2015. Collection method: clinical testing. Allele origin: germline.

Labcorp Genetics (formerly Invitae), Labcorp
Classification: Benign. Last evaluated: 2017-09-02. Review status: criteria provided, single submitter. Criteria: Invitae Variant Classification Sherloc (09022015). Collection method: clinical testing. Allele origin: germline.

Breakthrough Genomics
Classification: Benign. Review status: criteria provided, single submitter. Criteria: ACMG Guidelines, 2015. Collection method: not provided. Allele origin: germline. Inheritance: Autosomal recessive inheritance. Affected: yes.

PreventionGenetics, part of Exact Sciences
Classification: Likely benign for PI4KA-related condition. Last evaluated: 2019-04-10. Review status: no assertion criteria provided. Collection method: clinical testing. Allele origin: germline. Not counted in ClinVar's aggregate classification.
Comment: This variant is classified as likely benign based on ACMG/AMP sequence variant interpretation guidelines (Richards et al. 2015 PMID: 25741868, with internal and published modifications).

NM_058004.4(PI4KA):c.3033G>C (p.Leu1011=)

Gene: PI4KA (phosphatidylinositol 4-kinase alpha; minus strand). Cytogenetic location: 22q11.21.
Variant type: single nucleotide variant.
Coding change: c.3033G>C on transcript NM_058004.4 (MANE Select); coding-DNA position 3033, G replaced by C.
Protein change: p.Leu1011=; no amino-acid change (leucine 1011 retained).
Molecular consequence: synonymous variant.
Genome position (GRCh38, 1-based): chr22:20,751,710, C>G on the plus strand (G>C on the coding strand, the complement: PI4KA is on the minus strand). VCF-style: chr22-20751710-C-G. GRCh37 (hg19) VCF-style: chr22-21105998-C-G.
Other names: c.3033G>C, p.Leu1011= (NM_001362862.2); c.2967G>C, p.Leu989= (NM_001362863.2).
Identifiers: ClinVar variation 785679 (VCV000785679.15), dbSNP rs11552980, ClinGen allele CA10115523.
Genomic context (GRCh38, chr22:20,751,710, plus strand): 5'-CCTAGGTCTCCTGGGGACACTCACAGCGCTCAGTGACAGTGACAGGGTCTGCAGGATGTC[C>G]AGCATGGTCTTCAGCACAGTCCCGCTCCAGAGCAAGTGGGGAAACCTGCACCAAGAGCCA-3'
Protein context (NP_477352.3, residues 1001-1021): LWSGTVLKTM[Leu1011=]DILQTLSLSL